The following is an entry in ClinVar:

ClinVar aggregate classification (germline): Uncertain significance. Review status: criteria provided, multiple submitters, no conflicts (2 of 4 stars). 3 submissions from 3 submitters: Uncertain significance (3). Last evaluated 2026-05-26.

Conditions:
Developmental and epileptic encephalopathy, 14 (DEE14). Also called: Early infantile epileptic encephalopathy 14. Identifiers: Orphanet 293181, MedGen C3554195, MONDO:0013989, OMIM 614959.
Autosomal dominant nocturnal frontal lobe epilepsy 5. Also called: KCNT1-Related Epilepsy; CILIARY DYSKINESIA, PRIMARY, 28, WITHOUT SITUS INVERSUS; CILIARY DYSKINESIA, PRIMARY, 28, WITH SITUS INVERSUS; Epilepsy, nocturnal frontal lobe, 5. Identifiers: Orphanet 98784, MedGen C3554306, MONDO:0014002, OMIM 615005.
Inborn genetic diseases. Identifiers: MedGen C0950123, MeSH D030342.

Allele frequency attached by ClinVar (database versions not stated): gnomAD 0.00001; TOPMed 0.00001.

Submissions (3):

Ambry Genetics
Classification: Uncertain significance for Inborn genetic diseases. Last evaluated: 2026-05-26. Review status: criteria provided, single submitter. Criteria: Ambry Variant Classification Scheme 2023. Collection method: clinical testing. Allele origin: germline.
Comment: The c.2905G>A (p.V969I) alteration is located in exon 25 (coding exon 25) of the KCNT1 gene. This alteration results from a G to A substitution at nucleotide position 2905, causing the valine (V) at amino acid position 969 to be replaced by an isoleucine (I). Based on data from gnomAD, the A allele has an overall frequency of 0.003% (1/31386) total alleles studied. The highest observed frequency was 0.007% (1/15424) of European (non-Finnish) alleles. Based on insufficient or conflicting evidence, the clinical significance of this alteration remains unclear.

Women's Health and Genetics/Laboratory Corporation of America, LabCorp
Classification: Uncertain significance. Last evaluated: 2023-08-11. Review status: criteria provided, single submitter. Criteria: LabCorp Variant Classification Summary - May 2015. Collection method: clinical testing. Allele origin: germline.
Comment: Variant summary: KCNT1 c.2905G>A (p.Val969Ile) results in a conservative amino acid change in the encoded protein sequence. Three of five in-silico tools predict a damaging effect of the variant on protein function. The variant was absent in 244720 control chromosomes. The available data on variant occurrences in the general population are insufficient to allow any conclusion about variant significance. To our knowledge, no occurrence of c.2905G>A in individuals affected with Developmental And Epileptic Encephalopathy, 14 and no experimental evidence demonstrating its impact on protein function have been reported. One submitter has cited clinical-significance assessments for this variant to ClinVar after 2014 and has classified the variant as uncertain significance. Based on the evidence outlined above, the variant was classified as uncertain significance.

Labcorp Genetics (formerly Invitae), Labcorp
Classification: Uncertain significance for Autosomal dominant nocturnal frontal lobe epilepsy 5; Developmental and epileptic encephalopathy, 14. Last evaluated: 2021-11-28. Review status: criteria provided, single submitter. Criteria: Invitae Variant Classification Sherloc (09022015). Collection method: clinical testing. Allele origin: germline.
Comment: Advanced modeling of protein sequence and biophysical properties (such as structural, functional, and spatial information, amino acid conservation, physicochemical variation, residue mobility, and thermodynamic stability) performed at Invitae indicates that this missense variant is expected to disrupt KCNT1 protein function. In summary, the available evidence is currently insufficient to determine the role of this variant in disease. Therefore, it has been classified as a Variant of Uncertain Significance. This variant has not been reported in the literature in individuals affected with KCNT1-related conditions. The frequency data for this variant in the population databases is considered unreliable, as metrics indicate poor data quality at this position in the gnomAD database. This sequence change replaces valine, which is neutral and non-polar, with isoleucine, which is neutral and non-polar, at codon 969 of the KCNT1 protein (p.Val969Ile).

NM_020822.3(KCNT1):c.2905G>A (p.Val969Ile)

Gene: KCNT1 (potassium sodium-activated channel subfamily T member 1; plus strand). Cytogenetic location: 9q34.3.
Variant type: single nucleotide variant.
Coding change: c.2905G>A on transcript NM_020822.3 (MANE Select); coding-DNA position 2905, G replaced by A.
Protein change: p.Val969Ile; replaces valine 969 with isoleucine.
Molecular consequence: missense variant.
Genome position (GRCh38, 1-based): chr9:135,784,087, G>A. VCF-style: chr9-135784087-G-A. GRCh37 (hg19) VCF-style: chr9-138675933-G-A.
Other names: c.2905G>A (NM_020822.2); c.2770G>A, p.Val924Ile (NM_001272003.2); short protein forms V924I, V969I.
Identifiers: ClinVar variation 1415725 (VCV001415725.8), dbSNP rs1216283172, ClinGen allele CA375517504.
Genomic context (GRCh38, chr9:135,784,087, plus strand): 5'-GAGCGAGAGAATGGCTCCAACCTGGCCTTCATGTTCCGCCTGCCGTTCGCCGCCGGCCGC[G>A]TCTTCAGCATCAGCATGTTGGACACACTGCTCTACCAGGTCAGCGGGGAAGCGGCAGCAG-3'
Protein context (NP_065873.2, residues 959-979): MFRLPFAAGR[Val969Ile]FSISMLDTLL